The following is an entry in ClinVar:

NM_024598.4(USB1):c.784A>G (p.Met262Val)

Gene: USB1 (U6 snRNA biogenesis phosphodiesterase 1; plus strand). Cytogenetic location: 16q21.
Variant type: single nucleotide variant.
Coding change: c.784A>G on transcript NM_024598.4 (MANE Select); coding-DNA position 784, A replaced by G.
Protein change: p.Met262Val; replaces methionine 262 with valine.
Molecular consequence: missense variant.
Genome position (GRCh38, 1-based): chr16:58,020,231, A>G. VCF-style: chr16-58020231-A-G. GRCh37 (hg19) VCF-style: chr16-58054135-A-G.
Other names: p.Met262Val; c.730A>G, p.Met244Val (NM_001195302.2); c.631A>G, p.Met211Val (NM_001330568.2); short protein forms M262V, M211V, M244V.
Identifiers: ClinVar variation 933280 (VCV000933280.17), dbSNP rs143382202, ClinGen allele CA8085055.

ClinVar aggregate classification (germline): Uncertain significance. Review status: criteria provided, multiple submitters, no conflicts (2 of 4 stars). 7 submissions from 7 submitters: Uncertain significance (6). 1 of the submissions does not count toward it. Last evaluated 2025-08-13.

Conditions:
Inborn genetic diseases. Identifiers: MedGen C0950123, MeSH D030342.
Poikiloderma with neutropenia (PN). Identifiers: Orphanet 221046, MedGen C1858723, MONDO:0011405, OMIM 604173.

Allele frequency attached by ClinVar (database versions not stated): ESP Exome Variant Server 0.00008; gnomAD exomes 0.00019 and 0.00025; ExAC 0.00020; TOPMed 0.00022; gnomAD 0.00023 and 0.00027.

Submissions (7):

Ambry Genetics
Classification: Uncertain significance for Inborn genetic diseases. Last evaluated: 2025-08-13. Review status: criteria provided, single submitter. Criteria: Ambry Variant Classification Scheme 2023. Collection method: clinical testing. Allele origin: germline.

GeneDx
Classification: Uncertain significance. Last evaluated: 2024-10-08. Review status: criteria provided, single submitter. Criteria: GeneDx Variant Classification Process June 2021. Collection method: clinical testing. Allele origin: germline. Affected: yes.
Comment: In silico analysis indicates that this missense variant does not alter protein structure/function; Has not been previously published as pathogenic or benign to our knowledge

ARUP Laboratories, Molecular Genetics and Genomics, ARUP Laboratories
Classification: Uncertain significance for Poikiloderma with neutropenia. Last evaluated: 2024-05-07. Review status: criteria provided, single submitter. Criteria: ARUP Molecular Germline Variant Investigation Process 2024. Collection method: clinical testing. Allele origin: germline.

Mayo Clinic Laboratories, Mayo Clinic
Classification: Uncertain significance. Last evaluated: 2023-04-20. Review status: criteria provided, single submitter. Criteria: ACMG Guidelines, 2015. Collection method: clinical testing. Allele origin: germline. Observed: 1 variant allele.
Comment: BP4

Labcorp Genetics (formerly Invitae), Labcorp
Classification: Uncertain significance. Last evaluated: 2022-10-26. Review status: criteria provided, single submitter. Criteria: Invitae Variant Classification Sherloc (09022015). Collection method: clinical testing. Allele origin: germline.
Comment: This sequence change replaces methionine, which is neutral and non-polar, with valine, which is neutral and non-polar, at codon 262 of the USB1 protein (p.Met262Val). This variant is present in population databases (rs143382202, gnomAD 0.04%). This variant has not been reported in the literature in individuals affected with USB1-related conditions. ClinVar contains an entry for this variant (Variation ID: 933280). Advanced modeling of protein sequence and biophysical properties (such as structural, functional, and spatial information, amino acid conservation, physicochemical variation, residue mobility, and thermodynamic stability) performed at Invitae indicates that this missense variant is not expected to disrupt USB1 protein function. In summary, the available evidence is currently insufficient to determine the role of this variant in disease. Therefore, it has been classified as a Variant of Uncertain Significance.

Genetic Services Laboratory, University of Chicago
Classification: Uncertain significance. Last evaluated: 2018-01-24. Review status: criteria provided, single submitter. Criteria: ACMG Guidelines, 2015. Collection method: clinical testing. Allele origin: germline. Affected: no.

UOSD Laboratory of Genetics & Genomics of Rare Diseases, Istituto Giannina Gaslini
Classification: Uncertain significance for Poikiloderma with neutropenia. Last evaluated: 2020-05-21. Review status: no assertion criteria provided. Collection method: clinical testing. Allele origin: germline. Affected: yes. Observed: 1 variant allele. Not counted in ClinVar's aggregate classification.